The following is an entry in ClinVar:

NM_006734.4(HIVEP2):c.6823C>G (p.Pro2275Ala)

Gene: HIVEP2 (HIVEP zinc finger 2; minus strand). Cytogenetic location: 6q24.2.
Variant type: single nucleotide variant.
Coding change: c.6823C>G on transcript NM_006734.4 (MANE Select); coding-DNA position 6823, C replaced by G.
Protein change: p.Pro2275Ala; replaces proline 2275 with alanine.
Molecular consequence: missense variant.
Genome position (GRCh38, 1-based): chr6:142,753,625, G>C on the plus strand (C>G on the coding strand, the complement: HIVEP2 is on the minus strand). VCF-style: chr6-142753625-G-C. GRCh37 (hg19) VCF-style: chr6-143074762-G-C.
Other names: c.6823C>G, p.Pro2275Ala (NM_001438449.1, NM_001438450.1, NM_001438451.1); short protein forms P2275A.
Identifiers: ClinVar variation 4714213 (VCV004714213.1).

ClinVar aggregate classification (germline): Uncertain significance (1 of 4 stars; one submission).

Submission:

Labcorp Genetics (formerly Invitae), Labcorp
Classification: Uncertain significance. Last evaluated: 2025-03-10. Review status: criteria provided, single submitter. Criteria: Invitae Variant Classification Sherloc (09022015). Collection method: clinical testing. Allele origin: germline.
Comment: This sequence change replaces proline, which is neutral and non-polar, with alanine, which is neutral and non-polar, at codon 2275 of the HIVEP2 protein (p.Pro2275Ala). This variant is not present in population databases (gnomAD no frequency). This variant has not been reported in the literature in individuals affected with HIVEP2-related conditions. An algorithm developed to predict the effect of missense changes on protein structure and function (PolyPhen-2) suggests that this variant is likely to be tolerated. In summary, the available evidence is currently insufficient to determine the role of this variant in disease. Therefore, it has been classified as a Variant of Uncertain Significance.